The following is an entry in ClinVar:

NM_006494.4(ERF):c.1201_1202del (p.Lys401fs)

Gene: ERF (ETS2 repressor factor; minus strand). Cytogenetic location: 19q13.2.
Variant type: Deletion.
Coding change: c.1201_1202del on transcript NM_006494.4 (MANE Select); coding-DNA positions 1201 to 1202, 2 bases deleted (AA; older notation c.1201_1202delAA).
Protein change: p.Lys401fs; shifts the reading frame from lysine 401.
Molecular consequence: frameshift variant.
Genome position (GRCh38, 1-based): chr19:42,248,910-42,248,911, TT deleted on the plus strand (AA on the coding strand, the reverse complement: ERF is on the minus strand). VCF-style (leftmost placement, unchanged base first): chr19-42248909-CTT-C. GRCh37 (hg19) VCF-style: chr19-42753061-CTT-C.
Other names: c.976_977del, p.Lys326fs (NM_001301035.2, NM_001308402.2, NM_001312656.2); c.1201_1202delAA (NM_006494.4, NM_006494.3); c.1201_1202del (NM_006494.2); short protein forms K326fs, K401fs.
Identifiers: ClinVar variation 420168 (VCV000420168.63), dbSNP rs1064794325, ClinGen allele CA16620858.

ClinVar aggregate classification (germline): Pathogenic/Likely pathogenic. Review status: criteria provided, multiple submitters, no conflicts (2 of 4 stars). 19 submissions from 19 submitters: Pathogenic (14); Likely pathogenic (2). 3 of the submissions do not count toward it. Last evaluated 2025-07-07.

Conditions:
Chitayat syndrome (CHYTS). Identifiers: MedGen C4310679, MONDO:0014956, OMIM 617180.
Noonan-like syndrome. Also called: Noonan Syndrome-like disorder. Identifiers: MedGen C1834120. Disease mechanism: gain of function.
Craniosynostosis 4 (CRS4). Identifiers: MedGen C3806917, MONDO:0010929, OMIM 600775.
Neurodevelopmental disorder. Identifiers: MedGen C1535926, MeSH D065886, MONDO:0700092.
Noonan Syndrome-like developmental disorder.
ERF-related disorder. Also called: ERF-related condition; ERF-related disorders.
Lambdoidal craniosynostosis. Identifiers: MedGen C1833340, HP:0004443.
Noonan syndrome (NS). Also called: Noonan's syndrome. Identifiers: Orphanet 648, MedGen C0028326, MeSH D009634, MONDO:0018997. Disease mechanism: gain of function.
TWIST1-related craniosynostosis (CRS1). Also called: CRANIOSYNOSTOSIS 1. Identifiers: Orphanet 63440, MedGen C4551902, MONDO:0007399, OMIM 123100. Inheritance: Heterogenous inheritance pattern.

Allele frequency attached by ClinVar (database versions not stated): gnomAD exomes below 0.00001; TOPMed below 0.00001.

Submissions 1 to 11 of 19:

Labcorp Genetics (formerly Invitae), Labcorp
Classification: Pathogenic for TWIST1-related craniosynostosis. Last evaluated: 2025-07-07. Review status: criteria provided, single submitter. Criteria: Invitae Variant Classification Sherloc (09022015). Collection method: clinical testing. Allele origin: germline.
Comment: This sequence change creates a premature translational stop signal (p.Lys401Glufs*10) in the ERF gene. While this is not anticipated to result in nonsense mediated decay, it is expected to disrupt the last 148 amino acid(s) of the ERF protein. This variant is present in population databases (no rsID available, gnomAD 0.001%). This premature translational stop signal has been observed in individuals with craniosynostosis (PMID: 23354439, 30758909, 32370745). ClinVar contains an entry for this variant (Variation ID: 420168). For these reasons, this variant has been classified as Pathogenic.

Department of Medical Genetics, Tohoku University School of Medicine
Classification: Pathogenic for Noonan Syndrome-like disorder. Last evaluated: 2025-01-10. Review status: criteria provided, single submitter. Criteria: ACMG Guidelines, 2015. Collection method: research. Allele origin: unknown. Affected: yes.
Comment: This frameshift variant is predicted to result in a premature stop codon in ERF, and is observed in gnomAD 4.1 at a low frequency. This variant has been reported in multiple unrelated symptomatic individuals (PMID: 23354439, 30758909, 32370745, 36360262, 38824261; ClinVar variant ID: 420168) PVS1, PS4_moderate, PP5

Victorian Clinical Genetics Services, Murdoch Childrens Research Institute
Classification: Pathogenic for Noonan syndrome. Last evaluated: 2024-12-30. Review status: criteria provided, single submitter. Criteria: ACMG Guidelines, 2015. Collection method: clinical testing. Allele origin: germline. Affected: yes.
Comment: This variant is classified as Pathogenic. Evidence in support of pathogenic classification: Variant is predicted to result in a truncated protein (premature termination codon is NOT located at least 54 nucleotides upstream of the final exon-exon junction) with less than 1/3 of the protein sequence affected; Variant is present in gnomAD (v2) <0.001 for a dominant condition (1 heterozygote, 0 homozygotes); This variant has strong previous evidence of pathogenicity in unrelated individuals. It has been classified as likely pathogenic and pathogenic by multiple clinical laboratories in ClinVar. This variant has also been observed in several unrelated individuals with either craniosynostosis, or a Noonan syndrome-like disorder (PMIDs: 30758909, 38824261); Other truncating variants comparable to the one identified in this case have very strong previous evidence for pathogenicity in individuals with craniosynostosis or a Noonon syndrome-like disorder (ClinVar, PMID: 30758909, 23354439, 28808027, 38824261). Additional information: This variant is heterozygous; This gene is associated with autosomal dominant disease; Loss of function is a known mechanism of disease in this gene and is associated with craniosynostosis 4 (MIM#600775) and Noonan syndrome-like (MONDO:0018997), with or without craniosynostosis, ERF-related. A single recurring missense variant has been reported to cause Chitayat syndrome (MIM#617180), where the mechanism is unclear (PMID: 27738187); The condition associated with this gene has incomplete penetrance in some families with craniosynostosis (PMID: 30758909); Variants in this gene are known to have variable expressivity, with intrafamilial variability reported for craniosynostosis (PMID: 35852485); Inheritance information for this variant is not currently available in this individual.

Institute of Human Genetics, FAU Erlangen, Friedrich-Alexander-Universität Erlangen-Nürnberg
Classification: Pathogenic for Lambdoidal craniosynostosis. Last evaluated: 2024-01-12. Review status: criteria provided, single submitter. Criteria: Hauer et al. (Genet Med. 2018). Collection method: clinical testing. Allele origin: germline. Inheritance: Autosomal dominant inheritance. Affected: yes. Observed: 2 variant alleles.
Comment: This variant has been identified by standard clinical testing.

Tartaglia Lab, Genetics and Rare Diseases Research Division, Bambino Gesu' Children's Hospital
Classification: Pathogenic for Noonan Syndrome-like developmental disorder. Last evaluated: 2023-12-31. Review status: criteria provided, single submitter. Criteria: ACMG Guidelines, 2015. Collection method: research. Allele origin: de novo. Affected: yes.

3billion
Classification: Pathogenic for Craniosynostosis 4. Last evaluated: 2023-10-23. Review status: criteria provided, single submitter. Criteria: ACMG Guidelines, 2015. Collection method: clinical testing. Allele origin: germline. Affected: yes.
Comment: The variant is observed at an extremely low frequency in the gnomAD v2.1.1 dataset (total allele frequency: 0.0004%). Predicted Consequence/Location: Frameshift: predicted to result in a loss or disruption of normal protein function through protein truncation. The predicted truncated protein may be shortened by more than 10%. The variant has been reported at least twice as pathogenic with clinical assertions and evidence for the classification (ClinVar ID: VCV000420168 /PMID: 23354439). Therefore, this variant is classified as Pathogenic according to the recommendation of ACMG/AMP guideline.

Pittsburgh Clinical Genomics Laboratory, University of Pittsburgh Medical Center
Classification: Pathogenic for Craniosynostosis 4. Last evaluated: 2023-07-21. Review status: criteria provided, single submitter. Criteria: ACMG Guidelines, 2015. Collection method: clinical testing. Allele origin: germline. Inheritance: Autosomal dominant inheritance. Affected: yes.
Comment: This sequence variant is a two nucleotide deletion (delTT) in exon 4 of 4 of the ERF gene and results in an early termition codon 10 amino acids downstream of the frameshift at Lys401. This variant is not predicted to result in nonsense mediated decay. However, early termitions downstream of this position have reported as pathogenic (ClinVar). This is a previously reported variant (ClinVar 420168) that has been observed in multiple individuals affected by craniosynostosis (PMID: 30758909, 32370745). This variant is de novo; however, it is present in the gnomAD population dataset (1 of 236032 alleles 0.0004%). Based upon the evidence, we consider this variant to be pathogenic. ACMG Criteria: PM2, PS2, PS4, PVS1

Department of Endocrinology and Genetics, Fuzhou Children’s Hospital of Fujian Medical University
Classification: Pathogenic for Chitayat syndrome. Last evaluated: 2023-07-11. Review status: criteria provided, single submitter. Criteria: ACMG Guidelines, 2015. Collection method: clinical testing. Allele origin: de novo. Affected: yes.

Women's Health and Genetics/Laboratory Corporation of America, LabCorp
Classification: Pathogenic for ERF-Related Disorders. Last evaluated: 2023-06-23. Review status: criteria provided, single submitter. Criteria: LabCorp Variant Classification Summary - May 2015. Collection method: clinical testing. Allele origin: germline.
Comment: Variant summary: ERF c.1201_1202delAA (p.Lys401GlufsX10) results in a premature termination codon, predicted to cause a truncation of the encoded protein or absence of the protein due to nonsense mediated decay, which are commonly known mechanisms for disease. The variant allele was found at a frequency of 4.2e-06 in 236032 control chromosomes in gnomAD. c.1201_1202delAA has been reported in the literature in multiple individuals and families affected with ERF-Related Disorders (example: Twigg_2013, Korberg_2020, Glass_2019). These data indicate that the variant is very likely to be associated with disease. To our knowledge, no experimental evidence demonstrating an impact on protein function has been reported. The following publications have been ascertained in the context of this evaluation (PMID: 30758909, 32370745, 23354439). Six submitters have cited clinical-significance assessments for this variant to ClinVar after 2014. All submitters classified the variant as pathogenic/likely pathogenic. Based on the evidence outlined above, the variant was classified as pathogenic.

Department of Human Genetics, Hannover Medical School
Classification: Likely pathogenic for Craniosynostosis 4. Last evaluated: 2023-05-17. Review status: criteria provided, single submitter. Criteria: ACMG Guidelines, 2015. Collection method: clinical testing. Allele origin: germline. Inheritance: Autosomal dominant inheritance. Affected: yes.

Blueprint Genetics
Classification: Pathogenic for ERF-related disorders. Last evaluated: 2023-04-11. Review status: criteria provided, single submitter. Criteria: ACMG Guidelines, 2015. Collection method: clinical testing. Allele origin: germline. Affected: yes. Observed: 5 variant alleles.